The following is an entry in ClinVar:

NM_006939.4(SOS2):c.3013G>A (p.Asp1005Asn)

Gene: SOS2 (SOS Ras/Rho guanine nucleotide exchange factor 2; minus strand). Cytogenetic location: 14q21.3.
Variant type: single nucleotide variant.
Coding change: c.3013G>A on transcript NM_006939.4 (MANE Select); coding-DNA position 3013, G replaced by A.
Protein change: p.Asp1005Asn; replaces aspartic acid 1005 with asparagine.
Molecular consequence: missense variant.
Genome position (GRCh38, 1-based): chr14:50,134,185, C>T on the plus strand (G>A on the coding strand, the complement: SOS2 is on the minus strand). VCF-style: chr14-50134185-C-T. GRCh37 (hg19) VCF-style: chr14-50600903-C-T.
Other names: c.2914G>A, p.Asp972Asn (NM_001411020.1); short protein forms D1005N, D972N.
Identifiers: ClinVar variation 3321568 (VCV003321568.2).

ClinVar aggregate classification (germline): Uncertain significance. Review status: criteria provided, multiple submitters, no conflicts (2 of 4 stars). 2 submissions from 2 submitters: Uncertain significance (2). Last evaluated 2024-05-06.

Conditions:
Noonan syndrome 9 (NS9). Identifiers: Orphanet 648, MedGen C4225282, MONDO:0014691, OMIM 616559.
Cardiovascular phenotype. Identifiers: MedGen CN230736.

Submissions (2):

Ambry Genetics
Classification: Uncertain significance for Cardiovascular phenotype. Last evaluated: 2024-05-06. Review status: criteria provided, single submitter. Criteria: Ambry Variant Classification Scheme 2023. Collection method: clinical testing. Allele origin: germline.

ARUP Laboratories, Molecular Genetics and Genomics, ARUP Laboratories
Classification: Uncertain significance for Noonan syndrome 9. Last evaluated: 2024-01-22. Review status: criteria provided, single submitter. Criteria: ARUP Molecular Germline Variant Investigation Process 2024. Collection method: clinical testing. Allele origin: germline.
Comment: The SOS2 c.3013G>A; p.Asp1005Asn variant, to our knowledge, is not reported in the medical literature or gene specific databases. This variant is also absent from the Genome Aggregation Database (v2.1.1), indicating it is not a common polymorphism. Computational analyses predict that this variant is neutral (REVEL: 0.072). However, given the lack of clinical and functional data, the significance of this variant is uncertain at this time.